The following is an entry in ClinVar:

ClinVar aggregate classification (germline): Uncertain significance (1 of 4 stars; one submission).

Submission:

GeneDx
Classification: Uncertain significance. Last evaluated: 2026-02-26. Review status: criteria provided, single submitter. Criteria: GeneDx Variant Classification Process June 2021. Collection method: clinical testing. Allele origin: germline.
Comment: Not observed at significant frequency in large population cohorts (gnomAD); In silico analysis supports that this missense variant has a deleterious effect on protein structure/function; Has not been previously published as pathogenic or benign to our knowledge

NM_013436.5(NCKAP1):c.1334T>C (p.Leu445Pro)

Gene: NCKAP1 (NCK associated protein 1; minus strand). Cytogenetic location: 2q32.1.
Variant type: single nucleotide variant.
Coding change: c.1334T>C on transcript NM_013436.5 (MANE Select); coding-DNA position 1334, T replaced by C.
Protein change: p.Leu445Pro; replaces leucine 445 with proline.
Molecular consequence: missense variant.
Genome position (GRCh38, 1-based): chr2:182,981,251, A>G on the plus strand (T>C on the coding strand, the complement: NCKAP1 is on the minus strand). VCF-style: chr2-182981251-A-G. GRCh37 (hg19) VCF-style: chr2-183845979-A-G.
Other names: c.1328T>C, p.Leu443Pro (NM_001437266.1); c.1346T>C, p.Leu449Pro (NM_001437267.1); c.1352T>C, p.Leu451Pro (NM_205842.3); short protein forms L445P, L449P, L451P, L443P.
Identifiers: ClinVar variation 5008093 (VCV005008093.1).